The following is an entry in ClinVar:

ClinVar aggregate classification (germline): Conflicting classifications of pathogenicity. Review status: criteria provided, conflicting classifications (1 of 4 stars). 4 submissions from 4 submitters: Uncertain significance (1); Benign (1); Likely benign (2). Last evaluated 2025-06-22.

Conditions:
Koolen-de Vries syndrome (KDVS). Identifiers: Orphanet 96169, MedGen C1864871, MONDO:0012496, OMIM 610443.
Inborn genetic diseases. Identifiers: MedGen C0950123, MeSH D030342.

Allele frequency attached by ClinVar (database versions not stated): gnomAD 0.00001 and 0.00010; gnomAD exomes 0.00004 and 0.00008; TOPMed 0.00006; ExAC 0.00010.
gnomAD v4.1: 68 of 1,613,668 alleles (0.0042%); highest among the groups gnomAD compares: Middle Eastern, 0.033%; no homozygotes.

Submissions (4):

Labcorp Genetics (formerly Invitae), Labcorp
Classification: Benign for Koolen-de Vries syndrome. Last evaluated: 2025-06-22. Review status: criteria provided, single submitter. Criteria: Invitae Variant Classification Sherloc (09022015). Collection method: clinical testing. Allele origin: germline.

CeGaT Center for Human Genetics Tuebingen
Classification: Likely benign. Last evaluated: 2024-11-01. Review status: criteria provided, single submitter. Criteria: CeGaT Center For Human Genetics Tuebingen Variant Classification Criteria Version 2. Collection method: clinical testing. Allele origin: germline. Affected: yes. Observed: 2 variant alleles.
Comment: KANSL1: BS2

Ambry Genetics
Classification: Uncertain significance for Inborn genetic diseases. Last evaluated: 2022-11-07. Review status: criteria provided, single submitter. Criteria: Ambry Variant Classification Scheme 2023. Collection method: clinical testing. Allele origin: germline.

GeneDx
Classification: Likely benign. Last evaluated: 2019-09-17. Review status: criteria provided, single submitter. Criteria: GeneDx Variant Classification Process June 2021. Collection method: clinical testing. Allele origin: germline. Affected: yes.

NM_015443.4(KANSL1):c.3146A>G (p.Glu1049Gly)

Gene: KANSL1 (KAT8 regulatory NSL complex subunit 1). Cytogenetic location: 17q21.31.
Variant type: single nucleotide variant.
Coding change: c.3146A>G on transcript NM_015443.4 (MANE Select); coding-DNA position 3146, A replaced by G.
Protein change: p.Glu1049Gly; replaces glutamic acid 1049 with glycine.
Molecular consequence: missense variant.
Genome position (GRCh38, 1-based): chr17:46,031,648, T>C on the plus strand (A>G on the coding strand, the complement: KANSL1 is on the minus strand). VCF-style: chr17-46031648-T-C. GRCh37 (hg19) VCF-style: chr17-44109014-T-C.
Other names: p.E1049G:GAG>GGG; c.3143A>G, p.Glu1048Gly (NM_001193465.2); c.3146A>G, p.Glu1049Gly (NM_001193466.2, NM_001379198.1); short protein forms E1049G, E1048G.
Identifiers: ClinVar variation 205754 (VCV000205754.29), dbSNP rs771796347, ClinGen allele CA315136.